The following is an entry in ClinVar:

NM_020436.5(SALL4):c.1513G>A (p.Gly505Ser)

Gene: SALL4 (spalt like transcription factor 4; minus strand). Cytogenetic location: 20q13.2.
Variant type: single nucleotide variant.
Coding change: c.1513G>A on transcript NM_020436.5 (MANE Select); coding-DNA position 1513, G replaced by A.
Protein change: p.Gly505Ser; replaces glycine 505 with serine.
Molecular consequence: missense variant. On other transcripts: intron variant (1).
Genome position (GRCh38, 1-based): chr20:51,790,970, C>T on the plus strand (G>A on the coding strand, the complement: SALL4 is on the minus strand). VCF-style: chr20-51790970-C-T. GRCh37 (hg19) VCF-style: chr20-50407509-C-T.
Other names: c.1150+363G>A (NM_001318031.2); short protein forms G505S.
Identifiers: ClinVar variation 4740055 (VCV004740055.1).

ClinVar aggregate classification (germline): Uncertain significance (1 of 4 stars; one submission).

Conditions:
Duane-radial ray syndrome (DRRS). Also called: ACRORENOOCULAR SYNDROME; DR SYNDROME; DUANE ANOMALY WITH RADIAL RAY ABNORMALITIES AND DEAFNESS; Okihiro Syndrome; Duane-Radial Ray Syndrome/Okihiro Syndrome; Duane-Radial Ray Syndrome (DRRS) / Okihiro Syndrome. Identifiers: Orphanet 93293, Orphanet 959, MedGen C1623209, MONDO:0011812, OMIM 607323. Disease mechanism: gain of function.

Submission:

Labcorp Genetics (formerly Invitae), Labcorp
Classification: Uncertain significance for Duane-radial ray syndrome. Last evaluated: 2025-12-28. Review status: criteria provided, single submitter. Criteria: Invitae Variant Classification Sherloc (09022015). Collection method: clinical testing. Allele origin: germline.
Comment: This sequence change replaces glycine, which is neutral and non-polar, with serine, which is neutral and polar, at codon 505 of the SALL4 protein (p.Gly505Ser). This variant is present in population databases (rs200920825, gnomAD 0.003%). This variant has not been reported in the literature in individuals affected with SALL4-related conditions. An algorithm developed to predict the effect of missense changes on protein structure and function outputs the following: PolyPhen-2: "Benign". The serine amino acid residue is found in multiple mammalian species, which suggests that this missense change does not adversely affect protein function. In summary, the available evidence is currently insufficient to determine the role of this variant in disease. Therefore, it has been classified as a Variant of Uncertain Significance.